The following is an entry in ClinVar:

ClinVar aggregate classification (germline): Uncertain significance. Review status: criteria provided, multiple submitters, no conflicts (2 of 4 stars). 2 submissions from 2 submitters: Uncertain significance (2). Last evaluated 2025-11-19.

Conditions:
Inborn genetic diseases. Identifiers: MedGen C0950123, MeSH D030342.

Allele frequency attached by ClinVar (database versions not stated): gnomAD 0.00001; TOPMed below 0.00001; gnomAD exomes 0.00002.
gnomAD v4.1: 28 of 1,604,278 alleles (0.0017%); highest among the groups gnomAD compares: Non-Finnish European, 0.0024%; no homozygotes.

Submissions (2):

Ambry Genetics
Classification: Uncertain significance for Inborn genetic diseases. Last evaluated: 2025-11-19. Review status: criteria provided, single submitter. Criteria: Ambry Variant Classification Scheme 2023. Collection method: clinical testing. Allele origin: germline.
Comment: The c.706C>T (p.R236C) alteration is located in exon 4 (coding exon 4) of the KDM1A gene. This alteration results from a C to T substitution at nucleotide position 706, causing the arginine (R) at amino acid position 236 to be replaced by a cysteine (C). Based on data from gnomAD, the T allele has an overall frequency of <0.001% (0/244836) total alleles studied. The highest observed frequency was <0.001% (/) of alleles. Based on insufficient or conflicting evidence, the clinical significance of this alteration remains unclear.

Labcorp Genetics (formerly Invitae), Labcorp
Classification: Uncertain significance. Last evaluated: 2025-09-22. Review status: criteria provided, single submitter. Criteria: Invitae Variant Classification Sherloc (09022015). Collection method: clinical testing. Allele origin: germline.
Comment: This sequence change replaces arginine, which is basic and polar, with cysteine, which is neutral and slightly polar, at codon 236 of the KDM1A protein (p.Arg236Cys). This variant is not present in population databases (gnomAD no frequency). This variant has not been reported in the literature in individuals affected with KDM1A-related conditions. ClinVar contains an entry for this variant (Variation ID: 2003325). Invitae Evidence Modeling of protein sequence and biophysical properties (such as structural, functional, and spatial information, amino acid conservation, physicochemical variation, residue mobility, and thermodynamic stability) indicates that this missense variant is expected to disrupt KDM1A protein function with a positive predictive value of 80%. In summary, the available evidence is currently insufficient to determine the role of this variant in disease. Therefore, it has been classified as a Variant of Uncertain Significance.

NM_001009999.3(KDM1A):c.706C>T (p.Arg236Cys)

Gene: KDM1A (lysine demethylase 1A; plus strand). Cytogenetic location: 1p36.12.
Variant type: single nucleotide variant.
Coding change: c.706C>T on transcript NM_001009999.3 (MANE Select); coding-DNA position 706, C replaced by T.
Protein change: p.Arg236Cys; replaces arginine 236 with cysteine.
Molecular consequence: missense variant.
Genome position (GRCh38, 1-based): chr1:23,050,515, C>T. VCF-style: chr1-23050515-C-T. GRCh37 (hg19) VCF-style: chr1-23377008-C-T.
Other names: c.706C>T (NM_001009999.2); c.646C>T, p.Arg216Cys (NM_001363654.2, NM_001410763.1, NM_015013.4); c.706C>T, p.Arg236Cys (NM_001410762.1); short protein forms R216C, R236C.
Identifiers: ClinVar variation 2003325 (VCV002003325.6), dbSNP rs746573541, ClinGen allele CA19213267.